The following is an entry in ClinVar:

ClinVar aggregate classification (germline): Uncertain significance (1 of 4 stars; one submission).

Allele frequency attached by ClinVar (database versions not stated): gnomAD 0.00001; TOPMed 0.00002.

Submission:

Labcorp Genetics (formerly Invitae), Labcorp
Classification: Uncertain significance. Last evaluated: 2022-04-12. Review status: criteria provided, single submitter. Criteria: Invitae Variant Classification Sherloc (09022015). Collection method: clinical testing. Allele origin: germline.
Comment: In summary, the available evidence is currently insufficient to determine the role of this variant in disease. Therefore, it has been classified as a Variant of Uncertain Significance. Algorithms developed to predict the effect of missense changes on protein structure and function output the following: SIFT: "Deleterious"; PolyPhen-2: "Benign"; Align-GVGD: "Class C0". The arginine amino acid residue is found in multiple mammalian species, which suggests that this missense change does not adversely affect protein function. This variant has not been reported in the literature in individuals affected with ZNF469-related conditions. This variant is not present in population databases (gnomAD no frequency). This sequence change replaces glycine, which is neutral and non-polar, with arginine, which is basic and polar, at codon 2729 of the ZNF469 protein (p.Gly2729Arg).

NM_001367624.2(ZNF469):c.8269G>A (p.Gly2757Arg)

Gene: ZNF469 (zinc finger protein 469; plus strand). Cytogenetic location: 16q24.2.
Variant type: single nucleotide variant.
Coding change: c.8269G>A on transcript NM_001367624.2 (MANE Select); coding-DNA position 8269, G replaced by A.
Protein change: p.Gly2757Arg; replaces glycine 2757 with arginine.
Molecular consequence: missense variant.
Genome position (GRCh38, 1-based): chr16:88,435,739, G>A. VCF-style: chr16-88435739-G-A. GRCh37 (hg19) VCF-style: chr16-88502147-G-A.
Other names: short protein forms G2757R.
Identifiers: ClinVar variation 1902313 (VCV001902313.5), dbSNP rs971541620, ClinGen allele CA286383834.
Genomic context (GRCh38, chr16:88,435,739, plus strand): 5'-GGTGCAGCTCTGGGGGAACAGCCAACTGGGCAGAAGGGAGCCTCGGCAAGGGGGTTCTGG[G>A]GACCAAGAGAGACCAAGGCGTTGGGTGTGTGCAAAGAGTCTGGGAGCGAGCCTGCGGAGG-3'
Protein context (NP_001354553.1, residues 2747-2767): QKGASARGFW[Gly2757Arg]PRETKALGVC